The following is an entry in ClinVar:

NM_001384732.1(CPLANE1):c.7575C>T (p.Phe2525=)

Gene: CPLANE1 (ciliogenesis and planar polarity effector complex subunit 1; minus strand). Cytogenetic location: 5p13.2.
Variant type: single nucleotide variant.
Coding change: c.7575C>T on transcript NM_001384732.1 (MANE Select); coding-DNA position 7575, C replaced by T.
Protein change: p.Phe2525=; no amino-acid change (phenylalanine 2525 retained).
Molecular consequence: synonymous variant.
Genome position (GRCh38, 1-based): chr5:37,164,286, G>A on the plus strand (C>T on the coding strand, the complement: CPLANE1 is on the minus strand). VCF-style: chr5-37164286-G-A. GRCh37 (hg19) VCF-style: chr5-37164388-G-A.
Other names: c.7575C>T, p.Phe2525= (NM_023073.4).
Identifiers: ClinVar variation 2497934 (VCV002497934.2), dbSNP rs763759101, ClinGen allele CA3238023.

ClinVar aggregate classification (germline): Conflicting classifications of pathogenicity. Review status: criteria provided, conflicting classifications (1 of 4 stars). 2 submissions from 2 submitters: Uncertain significance (1); Likely benign (1). Last evaluated 2022-10-17.

Allele frequency attached by ClinVar (database versions not stated): gnomAD 0.00001; ExAC 0.00002.
gnomAD v4.1: 21 of 1,612,358 alleles (0.0013%); highest among the groups gnomAD compares: South Asian, 0.0077%; no homozygotes.

Submissions (2):

Blueprint Genetics
Classification: Likely benign. Last evaluated: 2022-10-17. Review status: criteria provided, single submitter. Criteria: ACMG Guidelines, 2015. Collection method: clinical testing. Allele origin: germline.

GeneDx
Classification: Uncertain significance. Last evaluated: 2022-10-10. Review status: criteria provided, single submitter. Criteria: GeneDx Variant Classification Process June 2021. Collection method: clinical testing. Allele origin: germline. Affected: yes.
Comment: Has not been previously published as pathogenic or benign to our knowledge; In-silico analysis is inconclusive as to whether the variant alters gene splicing. In the absence of RNA/functional studies, the actual effect of this sequence change is unknown.